The following is an entry in ClinVar:

NM_004446.3(EPRS1):c.3215G>A (p.Gly1072Asp)

Gene: EPRS1 (glutamyl-prolyl-tRNA synthetase 1; minus strand). Cytogenetic location: 1q41.
Variant type: single nucleotide variant.
Coding change: c.3215G>A on transcript NM_004446.3 (MANE Select); coding-DNA position 3215, G replaced by A.
Protein change: p.Gly1072Asp; replaces glycine 1072 with aspartic acid.
Molecular consequence: missense variant.
Genome position (GRCh38, 1-based): chr1:219,983,274, C>T on the plus strand (G>A on the coding strand, the complement: EPRS1 is on the minus strand). VCF-style: chr1-219983274-C-T. GRCh37 (hg19) VCF-style: chr1-220156616-C-T.
Other names: short protein forms G1072D.
Identifiers: ClinVar variation 1028244 (VCV001028244.10), dbSNP rs141360496, ClinGen allele CA1399760.

ClinVar aggregate classification (germline): Conflicting classifications of pathogenicity. Review status: criteria provided, conflicting classifications (1 of 4 stars). 4 submissions from 4 submitters: Uncertain significance (1); Likely benign (2). 1 of the submissions does not count toward it. Last evaluated 2024-11-19.

Conditions:
EPRS1-related disorder. Also called: EPRS1-related condition.
Inborn genetic diseases. Identifiers: MedGen C0950123, MeSH D030342.
Leukodystrophy, hypomyelinating, 15. Identifiers: MedGen C4693733, MONDO:0054782, OMIM 617951.

Allele frequency attached by ClinVar (database versions not stated): gnomAD exomes 0.00020; ExAC 0.00021; ESP Exome Variant Server 0.00031; gnomAD 0.00049 and 0.00053; 1000 Genomes Project 0.00060; TOPMed 0.00061; 1000 Genomes Project 30x 0.00062.
gnomAD v4.1: 190 of 1,614,088 alleles (0.012%); highest among the groups gnomAD compares: African/African-American, 0.19%; no homozygotes.

Submissions (4):

Labcorp Genetics (formerly Invitae), Labcorp
Classification: Likely benign. Last evaluated: 2024-11-19. Review status: criteria provided, single submitter. Criteria: Invitae Variant Classification Sherloc (09022015). Collection method: clinical testing. Allele origin: germline.

Ambry Genetics
Classification: Likely benign for Inborn genetic diseases. Last evaluated: 2022-08-03. Review status: criteria provided, single submitter. Criteria: Ambry Variant Classification Scheme 2023. Collection method: clinical testing. Allele origin: germline.

Baylor Genetics
Classification: Uncertain significance for Leukodystrophy, hypomyelinating, 15. Last evaluated: 2020-06-03. Review status: criteria provided, single submitter. Criteria: ACMG Guidelines, 2015. Collection method: clinical testing. Allele origin: unknown. Affected: yes.
Comment: This variant was determined to be of uncertain significance according to ACMG Guidelines, 2015 [PMID:25741868].

PreventionGenetics, part of Exact Sciences
Classification: Likely benign for EPRS1-related condition. Last evaluated: 2024-08-08. Review status: no assertion criteria provided. Collection method: clinical testing. Allele origin: germline. Not counted in ClinVar's aggregate classification.
Comment: This variant is classified as likely benign based on ACMG/AMP sequence variant interpretation guidelines (Richards et al. 2015 PMID: 25741868, with internal and published modifications).